The following is an entry in ClinVar:

ClinVar aggregate classification (germline): Benign. Review status: criteria provided, multiple submitters, no conflicts (2 of 4 stars). 2 submissions from 2 submitters: Benign (2). Last evaluated 2020-04-30.

Allele frequency attached by ClinVar (database versions not stated): gnomAD exomes 0.53370; ExAC 0.54121; 1000 Genomes Project 30x 0.56746; gnomAD 0.59013 and 0.60273.

Submissions (2):

GeneDx
Classification: Benign. Last evaluated: 2020-04-30. Review status: criteria provided, single submitter. Criteria: GeneDx Variant Classification Process June 2021. Collection method: clinical testing. Allele origin: germline. Affected: yes.
Comment: This variant is associated with the following publications: (PMID: 23437051)

Breakthrough Genomics
Classification: Benign. Review status: criteria provided, single submitter. Criteria: ACMG Guidelines, 2015. Collection method: not provided. Allele origin: germline. Inheritance: Unknown mechanism. Affected: yes.

NM_199161.5(SAA1):c.224T>C (p.Val75Ala)

Gene: SAA1 (serum amyloid A1; plus strand). Cytogenetic location: 11p15.1.
Variant type: single nucleotide variant.
Coding change: c.224T>C on transcript NM_199161.5 (MANE Select); coding-DNA position 224, T replaced by C.
Protein change: p.Val75Ala; replaces valine 75 with alanine.
Molecular consequence: missense variant.
Genome position (GRCh38, 1-based): chr11:18,269,327, T>C. VCF-style: chr11-18269327-T-C. GRCh37 (hg19) VCF-style: chr11-18290874-T-C.
Other names: c.224T>C, p.Val75Ala (NM_000331.6, NM_001178006.3); short protein forms V75A.
Identifiers: ClinVar variation 1258441 (VCV001258441.3), dbSNP rs1136747, ClinGen allele CA5909473.